The following is an entry in ClinVar:

NM_002834.5(PTPN11):c.76G>A (p.Asp26Asn)

Gene: PTPN11 (protein tyrosine phosphatase non-receptor type 11; plus strand). Cytogenetic location: 12q24.13.
Variant type: single nucleotide variant.
Coding change: c.76G>A on transcript NM_002834.5 (MANE Select); coding-DNA position 76, G replaced by A.
Protein change: p.Asp26Asn; replaces aspartic acid 26 with asparagine.
Molecular consequence: missense variant.
Genome position (GRCh38, 1-based): chr12:112,446,337, G>A. VCF-style: chr12-112446337-G-A. GRCh37 (hg19) VCF-style: chr12-112884141-G-A.
Other names: c.76G>A, p.Asp26Asn (NM_001330437.2, NM_001374625.1, NM_080601.3); short protein forms D26N.
Identifiers: ClinVar variation 4779397 (VCV004779397.1).

ClinVar aggregate classification (germline): Uncertain significance (1 of 4 stars; one submission).

Conditions:
RASopathy. Also called: Noonan spectrum disorder; rasopathies. Identifiers: Orphanet 536391, MedGen C5555857, MONDO:0021060.

Submission:

Labcorp Genetics (formerly Invitae), Labcorp
Classification: Uncertain significance for RASopathy. Last evaluated: 2025-07-08. Review status: criteria provided, single submitter. Criteria: Invitae Variant Classification Sherloc (09022015). Collection method: clinical testing. Allele origin: germline.
Comment: This sequence change replaces aspartic acid, which is acidic and polar, with asparagine, which is neutral and polar, at codon 26 of the PTPN11 protein (p.Asp26Asn). This variant is present in population databases (rs750261927, gnomAD 0.003%). This variant has not been reported in the literature in individuals affected with PTPN11-related conditions. Invitae Evidence Modeling of protein sequence and biophysical properties (such as structural, functional, and spatial information, amino acid conservation, physicochemical variation, residue mobility, and thermodynamic stability) has been performed for this missense variant. However, the output from this modeling did not meet the statistical confidence thresholds required to predict the impact of this variant on PTPN11 protein function. In summary, the available evidence is currently insufficient to determine the role of this variant in disease. Therefore, it has been classified as a Variant of Uncertain Significance.